The following is an entry in ClinVar:

ClinVar aggregate classification (germline): Uncertain significance (1 of 4 stars; one submission).

Allele frequency attached by ClinVar (database versions not stated): gnomAD exomes below 0.00001.
gnomAD v4.1: 1 of 1,611,978 alleles (0.000062%); highest among the groups gnomAD compares: Admixed American, 0.0017%; no homozygotes.

Submission:

Labcorp Genetics (formerly Invitae), Labcorp
Classification: Uncertain significance. Last evaluated: 2022-03-27. Review status: criteria provided, single submitter. Criteria: Invitae Variant Classification Sherloc (09022015). Collection method: clinical testing. Allele origin: germline.
Comment: In summary, the available evidence is currently insufficient to determine the role of this variant in disease. Therefore, it has been classified as a Variant of Uncertain Significance. Algorithms developed to predict the effect of missense changes on protein structure and function are either unavailable or do not agree on the potential impact of this missense change (SIFT: "Deleterious"; PolyPhen-2: "Possibly Damaging"; Align-GVGD: "Class C0"). This variant has not been reported in the literature in individuals affected with SLC39A14-related conditions. This variant is not present in population databases (gnomAD no frequency). This sequence change replaces valine, which is neutral and non-polar, with glycine, which is neutral and non-polar, at codon 221 of the SLC39A14 protein (p.Val221Gly).

NM_001128431.4(SLC39A14):c.662T>G (p.Val221Gly)

Gene: SLC39A14 (solute carrier family 39 member 14; plus strand). Cytogenetic location: 8p21.3.
Variant type: single nucleotide variant.
Coding change: c.662T>G on transcript NM_001128431.4 (MANE Select); coding-DNA position 662, T replaced by G.
Protein change: p.Val221Gly; replaces valine 221 with glycine.
Molecular consequence: missense variant.
Genome position (GRCh38, 1-based): chr8:22,414,814, T>G. VCF-style: chr8-22414814-T-G. GRCh37 (hg19) VCF-style: chr8-22272327-T-G.
Other names: c.662T>G, p.Val221Gly (NM_001135153.3, NM_001135154.3, NM_001351655.2 and 3 more transcripts); c.692T>G, p.Val231Gly (NM_001351657.2, NM_001351658.2, NM_001351659.2); short protein forms V221G, V231G.
Identifiers: ClinVar variation 2117992 (VCV002117992.4), dbSNP rs2487138659, ClinGen allele CA370531827.